The following is an entry in ClinVar:

ClinVar aggregate classification (germline): Uncertain significance (1 of 4 stars; one submission).

Conditions:
Familial hemophagocytic lymphohistiocytosis 3 (FHL3). Also called: UNC13D-Related Familial Hemophagocytic Lymphohistiocytosis (UNC13D-fHLH). Identifiers: Orphanet 540, MedGen C1837174, MONDO:0012146, OMIM 608898.

Allele frequency attached by ClinVar (database versions not stated): ExAC 0.00002; gnomAD 0.00002; TOPMed 0.00005; ESP Exome Variant Server 0.00023.
gnomAD v4.1: 5 of 1,613,872 alleles (0.00031%); highest among the groups gnomAD compares: African/African-American, 0.004%; no homozygotes.

Submission:

Labcorp Genetics (formerly Invitae), Labcorp
Classification: Uncertain significance for Familial hemophagocytic lymphohistiocytosis 3. Last evaluated: 2022-03-08. Review status: criteria provided, single submitter. Criteria: Invitae Variant Classification Sherloc (09022015). Collection method: clinical testing. Allele origin: germline.
Comment: This sequence change replaces threonine, which is neutral and polar, with methionine, which is neutral and non-polar, at codon 221 of the UNC13D protein (p.Thr221Met). This variant is present in population databases (rs142355425, gnomAD 0.01%). This variant has not been reported in the literature in individuals affected with UNC13D-related conditions. Algorithms developed to predict the effect of missense changes on protein structure and function are either unavailable or do not agree on the potential impact of this missense change (SIFT: "Not Available"; PolyPhen-2: "Probably Damaging"; Align-GVGD: "Not Available"). In summary, the available evidence is currently insufficient to determine the role of this variant in disease. Therefore, it has been classified as a Variant of Uncertain Significance.

NM_199242.3(UNC13D):c.662C>T (p.Thr221Met)

Gene: UNC13D (unc-13 homolog D; minus strand). Cytogenetic location: 17q25.1.
Variant type: single nucleotide variant.
Coding change: c.662C>T on transcript NM_199242.3 (MANE Select); coding-DNA position 662, C replaced by T.
Protein change: p.Thr221Met; replaces threonine 221 with methionine.
Molecular consequence: missense variant.
Genome position (GRCh38, 1-based): chr17:75,840,783, G>A on the plus strand (C>T on the coding strand, the complement: UNC13D is on the minus strand). VCF-style: chr17-75840783-G-A. GRCh37 (hg19) VCF-style: chr17-73836864-G-A.
Other names: short protein forms T221M.
Identifiers: ClinVar variation 1914149 (VCV001914149.2), dbSNP rs142355425, ClinGen allele CA8773362.
Genomic context (GRCh38, chr17:75,840,783, plus strand): 5'-GAGCCCCAACCCCTTCCCTGTGAGCCCTGCAACACGAACCTGCGAAGCCCATGCAGATCC[G>A]TGAGCTCCCCAAGCTTCTGTCGGACAGACTCCACAGTGTCCAGGTCCCTGGCAGGACAGA-3'
Protein context (NP_954712.1, residues 211-231): ESVRQKLGEL[Thr221Met]DLHGLRRIFK